The following is an entry in ClinVar:

ClinVar aggregate classification (germline): Uncertain significance (1 of 4 stars; one submission).

Conditions:
Familial thoracic aortic aneurysm and aortic dissection (TAAD). Also called: Thoracic aortic aneurysms and dissections. Identifiers: Orphanet 91387, MedGen C4707243, MONDO:0019625.

Submission:

All of Us Research Program, National Institutes of Health
Classification: Uncertain significance for Familial thoracic aortic aneurysm and aortic dissection. Last evaluated: 2024-04-25. Review status: criteria provided, single submitter. Criteria: ACMG Guidelines, 2015. Collection method: clinical testing. Allele origin: germline. Inheritance: Autosomal dominant inheritance. Observed: 1 variant allele, 1 heterozygote.
Comment: This variant causes a G to A nucleotide substitution at the +1 position of intron 23 of the MYH11 gene. Splice site prediction tools suggest that this variant may have a significant impact on RNA splicing. Although this prediction has not been confirmed in published RNA studies, this variant is expected to result in an absent or disrupted protein product. This variant has not been reported in individuals affected with MYH11-related disorders in the literature. This variant has not been identified in the general population by the Genome Aggregation Database (gnomAD). Clinical relevance of loss-of-function MYH11 truncation and splice loss variants in autosomal dominant cardiovascular disorders is not clearly established. The available evidence is insufficient to determine the role of this variant in disease conclusively. Therefore, this variant is classified as a Variant of Uncertain Significance.

This study involves interpretation of variants in research participants for the purpose of population health screening. Participant phenotype was not available at the time of variant classification. Additional details can be found in publication PMID: 35346344, PMCID: PMC8962531

NM_002474.3(MYH11):c.2859+1G>A

Gene: MYH11 (myosin heavy chain 11; minus strand). Cytogenetic location: 16p13.11.
Variant type: single nucleotide variant.
Coding change: c.2859+1G>A on transcript NM_002474.3 (MANE Select); the canonical splice donor site of the intron after coding-DNA position 2859, G replaced by A.
Molecular consequence: splice donor variant.
Genome position (GRCh38, 1-based): chr16:15,741,462, C>T on the plus strand (G>A on the coding strand, the complement: MYH11 is on the minus strand). VCF-style: chr16-15741462-C-T. GRCh37 (hg19) VCF-style: chr16-15835319-C-T.
Other names: c.2859+1G>A (NM_022844.3); c.2880+1G>A (NM_001040114.2, NM_001040113.2).
Identifiers: ClinVar variation 3387210 (VCV003387210.1).
Genomic context (GRCh38, chr16:15,741,462, plus strand): 5'-GGCCTGTGGTGAGGGTCAAGTGATTTGCTACCCACCACGGGCTGCCCCTGTGACACCTTA[C>T]CAGCATCTGCTGGGCCATCTTCTTCCTTTCAGCCTGTAGCTGCTGGCCCCTGTCTTCCTC-3'